The following is an entry in ClinVar:

ClinVar aggregate classification (germline): Uncertain significance (1 of 4 stars; one submission).

Submission:

Labcorp Genetics (formerly Invitae), Labcorp
Classification: Uncertain significance. Last evaluated: 2024-11-25. Review status: criteria provided, single submitter. Criteria: Invitae Variant Classification Sherloc (09022015). Collection method: clinical testing. Allele origin: germline.
Comment: This sequence change replaces leucine, which is neutral and non-polar, with valine, which is neutral and non-polar, at codon 1024 of the ABL1 protein (p.Leu1024Val). This variant is not present in population databases (gnomAD no frequency). This variant has not been reported in the literature in individuals affected with ABL1-related conditions. Invitae Evidence Modeling of protein sequence and biophysical properties (such as structural, functional, and spatial information, amino acid conservation, physicochemical variation, residue mobility, and thermodynamic stability) indicates that this missense variant is not expected to disrupt ABL1 protein function with a negative predictive value of 95%. In summary, the available evidence is currently insufficient to determine the role of this variant in disease. Therefore, it has been classified as a Variant of Uncertain Significance.

NM_005157.6(ABL1):c.3013C>G (p.Leu1005Val)

Gene: ABL1 (ABL proto-oncogene 1, non-receptor tyrosine kinase; plus strand). Cytogenetic location: 9q34.12.
Variant type: single nucleotide variant.
Coding change: c.3013C>G on transcript NM_005157.6 (MANE Select); coding-DNA position 3013, C replaced by G.
Protein change: p.Leu1005Val; replaces leucine 1005 with valine.
Molecular consequence: missense variant.
Genome position (GRCh38, 1-based): chr9:130,885,303, C>G. VCF-style: chr9-130885303-C-G. GRCh37 (hg19) VCF-style: chr9-133760690-C-G.
Other names: c.3070C>G, p.Leu1024Val (NM_007313.3); short protein forms L1005V, L1024V.
Identifiers: ClinVar variation 3635946 (VCV003635946.2).